The following is an entry in ClinVar:

NM_020922.5(WNK3):c.2131G>C (p.Glu711Gln)

Gene: WNK3 (WNK lysine deficient protein kinase 3; minus strand). Cytogenetic location: Xp11.22.
Variant type: single nucleotide variant.
Coding change: c.2131G>C on transcript NM_020922.5 (MANE Select); coding-DNA position 2131, G replaced by C.
Protein change: p.Glu711Gln; replaces glutamic acid 711 with glutamine.
Molecular consequence: missense variant.
Genome position (GRCh38, 1-based): chrX:54,255,859, C>G on the plus strand (G>C on the coding strand, the complement: WNK3 is on the minus strand). VCF-style: chrX-54255859-C-G. GRCh37 (hg19) VCF-style: chrX-54282292-C-G.
Other names: c.2131G>C, p.Glu711Gln (NM_001002838.4, NM_001395166.1); short protein forms E711Q.
Identifiers: ClinVar variation 5009553 (VCV005009553.1).

ClinVar aggregate classification (germline): Uncertain significance (1 of 4 stars; one submission).

gnomAD v4.1: 3 of 1,202,863 alleles (0.00025%); highest among the groups gnomAD compares: Non-Finnish European, 0.00034%; no homozygotes.

Submission:

GeneDx
Classification: Uncertain significance. Last evaluated: 2026-03-20. Review status: criteria provided, single submitter. Criteria: GeneDx Variant Classification Process June 2021. Collection method: clinical testing. Allele origin: germline.
Comment: Not observed at significant frequency in large population cohorts (gnomAD); In silico analysis suggests that this missense variant does not alter protein structure/function; Has not been previously published as pathogenic or benign to our knowledge